The following is an entry in ClinVar:

NM_004974.4(KCNA2):c.345T>C (p.Phe115=)

Gene: KCNA2 (potassium voltage-gated channel subfamily A member 2; minus strand). Cytogenetic location: 1p13.3.
Variant type: single nucleotide variant.
Coding change: c.345T>C on transcript NM_004974.4 (MANE Select); coding-DNA position 345, T replaced by C.
Protein change: p.Phe115=; no amino-acid change (phenylalanine 115 retained).
Molecular consequence: synonymous variant.
Genome position (GRCh38, 1-based): chr1:110,604,438, A>G on the plus strand (T>C on the coding strand, the complement: KCNA2 is on the minus strand). VCF-style: chr1-110604438-A-G. GRCh37 (hg19) VCF-style: chr1-111147060-A-G.
Other names: c.345T>C, p.Phe115= (NM_001204269.2).
Identifiers: ClinVar variation 2638991 (VCV002638991.24), dbSNP rs2524622071, ClinGen allele CA419692047.

ClinVar aggregate classification (germline): Likely benign (1 of 4 stars; one submission).

Submission:

CeGaT Center for Human Genetics Tuebingen
Classification: Likely benign. Last evaluated: 2023-01-01. Review status: criteria provided, single submitter. Criteria: CeGaT Center For Human Genetics Tuebingen Variant Classification Criteria Version 2. Collection method: clinical testing. Allele origin: germline. Affected: yes. Observed: 1 variant allele.
Comment: KCNA2: PM2:Supporting, BP4, BP7